The following is an entry in ClinVar:

NM_014844.5(TECPR2):c.4120G>A (p.Gly1374Ser)

Gene: TECPR2 (tectonin beta-propeller repeat containing 2; plus strand). Cytogenetic location: 14q32.31.
Variant type: single nucleotide variant.
Coding change: c.4120G>A on transcript NM_014844.5 (MANE Select); coding-DNA position 4120, G replaced by A.
Protein change: p.Gly1374Ser; replaces glycine 1374 with serine.
Molecular consequence: missense variant.
Genome position (GRCh38, 1-based): chr14:102,498,141, G>A. VCF-style: chr14-102498141-G-A. GRCh37 (hg19) VCF-style: chr14-102964478-G-A.
Other names: p.Gly1374Ser; c.4120G>A (NM_014844.4); short protein forms G1374S.
Identifiers: ClinVar variation 2042088 (VCV002042088.4), dbSNP rs1393260815, ClinGen allele CA391059470.

ClinVar aggregate classification (germline): Uncertain significance. Review status: criteria provided, multiple submitters, no conflicts (2 of 4 stars). 3 submissions from 3 submitters: Uncertain significance (3). Last evaluated 2024-10-30.

Conditions:
Hereditary spastic paraplegia 49 (HSAN9). Also called: NEUROPATHY, HEREDITARY SENSORY AND AUTONOMIC, TYPE IX, WITH DEVELOPMENTAL DELAY; Spastic paraplegia 49, autosomal recessive; TECPR2-Related Hereditary Sensory and Autonomic Neuropathy with Intellectual Disability. Identifiers: Orphanet 320385, MedGen C5190860, MONDO:0014016, OMIM 615031.

Allele frequency attached by ClinVar (database versions not stated): gnomAD 0.00001; gnomAD exomes 0.00001; TOPMed 0.00001.
gnomAD v4.1: 12 of 1,613,386 alleles (0.00074%); highest among the groups gnomAD compares: Non-Finnish European, 0.00068%; no homozygotes.

Submissions (3):

Blueprint Genetics
Classification: Uncertain significance. Last evaluated: 2024-10-30. Review status: criteria provided, single submitter. Criteria: ACMG Guidelines, 2015. Collection method: clinical testing. Allele origin: germline.

Labcorp Genetics (formerly Invitae), Labcorp
Classification: Uncertain significance for Hereditary spastic paraplegia 49. Last evaluated: 2022-07-28. Review status: criteria provided, single submitter. Criteria: Invitae Variant Classification Sherloc (09022015). Collection method: clinical testing. Allele origin: germline.
Comment: This sequence change replaces glycine, which is neutral and non-polar, with serine, which is neutral and polar, at codon 1374 of the TECPR2 protein (p.Gly1374Ser). This variant is present in population databases (no rsID available, gnomAD 0.01%). This variant has not been reported in the literature in individuals affected with TECPR2-related conditions. Algorithms developed to predict the effect of missense changes on protein structure and function are either unavailable or do not agree on the potential impact of this missense change (SIFT: "Deleterious"; PolyPhen-2: "Probably Damaging"; Align-GVGD: "Class C0"). Algorithms developed to predict the effect of sequence changes on RNA splicing suggest that this variant may create or strengthen a splice site. In summary, the available evidence is currently insufficient to determine the role of this variant in disease. Therefore, it has been classified as a Variant of Uncertain Significance.

Mayo Clinic Laboratories, Mayo Clinic
Classification: Uncertain significance. Last evaluated: 2022-06-24. Review status: criteria provided, single submitter. Criteria: ACMG Guidelines, 2015. Collection method: clinical testing. Allele origin: germline. Observed: 1 variant allele.